The following is an entry in ClinVar:

ClinVar aggregate classification (germline): Uncertain significance (1 of 4 stars; one submission).

Conditions:
Hereditary sensory and autonomic neuropathy type 6. Also called: Neuropathy, hereditary sensory and autonomic, type VI; HSAN VI. Identifiers: Orphanet 314381, MedGen C3539003, MONDO:0013839, OMIM 614653.
Epidermolysis bullosa simplex 3, localized or generalized intermediate, with BP230 deficiency (EBS3). Also called: Epidermolysis bullosa simplex, autosomal recessive 2; Epidermolysis bullosa simplex due to BP230 deficiency. Identifiers: Orphanet 412181, MedGen C3809470, MONDO:0014180, OMIM 615425.

Allele frequency attached by ClinVar (database versions not stated): gnomAD 0.00001; gnomAD exomes 0.00001; TOPMed 0.00001; ExAC 0.00003.
gnomAD v4.1: 10 of 1,611,108 alleles (0.00062%); highest among the groups gnomAD compares: African/African-American, 0.0013%; no homozygotes.

Submission:

Labcorp Genetics (formerly Invitae), Labcorp
Classification: Uncertain significance for Epidermolysis bullosa simplex 3, localized or generalized intermediate, with BP230 deficiency; Hereditary sensory and autonomic neuropathy type 6. Last evaluated: 2022-07-25. Review status: criteria provided, single submitter. Criteria: Invitae Variant Classification Sherloc (09022015). Collection method: clinical testing. Allele origin: germline.
Comment: The DST gene has multiple clinically relevant transcripts. This variant occurs in alternate transcript NM_015548.4, and corresponds to NM_001723.5:c.*144376C>T in the primary transcript. This sequence change replaces threonine, which is neutral and polar, with methionine, which is neutral and non-polar, at codon 4806 of the DST protein (p.Thr4806Met). This variant is present in population databases (rs747578451, gnomAD 0.007%). This variant has not been reported in the literature in individuals affected with DST-related conditions. Experimental studies and prediction algorithms are not available or were not evaluated, and the functional significance of this variant is currently unknown. In summary, the available evidence is currently insufficient to determine the role of this variant in disease. Therefore, it has been classified as a Variant of Uncertain Significance.

NM_001374736.1(DST):c.22286C>T (p.Thr7429Met)

Gene: DST (dystonin; minus strand). Cytogenetic location: 6p12.1.
Variant type: single nucleotide variant.
Coding change: c.22286C>T on transcript NM_001374736.1 (MANE Select); coding-DNA position 22286, C replaced by T.
Protein change: p.Thr7429Met; replaces threonine 7429 with methionine.
Molecular consequence: missense variant.
Genome position (GRCh38, 1-based): chr6:56,471,141, G>A on the plus strand (C>T on the coding strand, the complement: DST is on the minus strand). VCF-style: chr6-56471141-G-A. GRCh37 (hg19) VCF-style: chr6-56335939-G-A.
Other names: c.15929C>T, p.Thr5310Met (NM_001144769.5); c.15515C>T, p.Thr5172Met (NM_001144770.2); c.22286C>T, p.Thr7429Met (NM_001374722.1); c.21326C>T, p.Thr7109Met (NM_001374729.1); c.15068C>T, p.Thr5023Met (NM_001374730.1); c.22313C>T, p.Thr7438Met (NM_001374734.1); c.15395C>T, p.Thr5132Met (NM_001386100.1, NM_183380.4); c.14417C>T, p.Thr4806Met (NM_015548.5); short protein forms T5132M, T4806M, T5023M, T5310M, T5172M, T7109M, T7429M, T7438M.
Identifiers: ClinVar variation 1412732 (VCV001412732.4), dbSNP rs747578451, ClinGen allele CA3866297.